The following is an entry in ClinVar:

ClinVar aggregate classification (germline): Benign/Likely benign. Review status: criteria provided, multiple submitters, no conflicts (2 of 4 stars). 13 submissions from 13 submitters: Benign (7); Likely benign (2). 4 of the submissions do not count toward it. Last evaluated 2026-02-03.

Conditions:
ACTN2-related disorder. Also called: ACTN2-related disorders; ACTN2 related condition.
Cardiomyopathy (CMYO). Also called: Cardiomyopathies. Identifiers: Orphanet 167848, MedGen C0878544, MONDO:0004994, HP:0001638. Inheritance: Various modes of inheritance.
Dilated cardiomyopathy 1AA (CMD1AA). Also called: CARDIOMYOPATHY, DILATED, 1AA, WITH OR WITHOUT LEFT VENTRICULAR NONCOMPACTION; CARDIOMYOPATHY, FAMILIAL HYPERTROPHIC, 23, WITH OR WITHOUT LEFT VENTRICULAR NONCOMPACTION; Cardiomyopathy, dilated, 1AA, with or without LVNC. Identifiers: Orphanet 154, MedGen C2677338, MONDO:0012808, OMIM 612158.
Primary familial hypertrophic cardiomyopathy (HCM). Identifiers: Orphanet 99739, MedGen C0949658, MeSH D024741, MONDO:0024573. Inheritance: Various modes of inheritance.

Allele frequency attached by ClinVar (database versions not stated): gnomAD exomes 0.00024 and 0.00072; ExAC 0.00090; 1000 Genomes Project 0.00180; 1000 Genomes Project 30x 0.00187; gnomAD 0.00291 and 0.00314; TOPMed 0.00320; ESP Exome Variant Server 0.00354.
gnomAD v4.1: 832 of 1,614,114 alleles (0.052%); highest among the groups gnomAD compares: African/African-American, 0.92%; 8 homozygotes.

Submissions (13):

Labcorp Genetics (formerly Invitae), Labcorp
Classification: Benign for Primary familial hypertrophic cardiomyopathy; Dilated cardiomyopathy 1AA. Last evaluated: 2026-02-03. Review status: criteria provided, single submitter. Criteria: Invitae Variant Classification Sherloc (09022015). Collection method: clinical testing. Allele origin: germline.

CeGaT Center for Human Genetics Tuebingen
Classification: Likely benign. Last evaluated: 2025-06-01. Review status: criteria provided, single submitter. Criteria: CeGaT Center For Human Genetics Tuebingen Variant Classification Criteria Version 2. Collection method: clinical testing. Allele origin: germline. Affected: yes. Observed: 1 variant allele.
Comment: ACTN2: BP4, BP7

Molecular Diagnostic Laboratory for Inherited Cardiovascular Disease, Montreal Heart Institute
Classification: Benign. Last evaluated: 2025-04-09. Review status: criteria provided, single submitter. Criteria: ACMG Guidelines, 2015. Collection method: clinical testing. Allele origin: germline. Affected: no.

Blueprint Genetics
Classification: Likely benign. Last evaluated: 2024-08-20. Review status: criteria provided, single submitter. Criteria: ACMG Guidelines, 2015. Collection method: clinical testing. Allele origin: germline.

ARUP Laboratories, Molecular Genetics and Genomics, ARUP Laboratories
Classification: Benign. Last evaluated: 2024-07-16. Review status: criteria provided, single submitter. Criteria: ARUP Molecular Germline Variant Investigation Process 2024. Collection method: clinical testing. Allele origin: germline.

Mayo Clinic Laboratories, Mayo Clinic
Classification: Benign. Last evaluated: 2016-02-09. Review status: criteria provided, single submitter. Criteria: ACMG Guidelines, 2015. Collection method: clinical testing. Allele origin: germline. Observed: 5 variant alleles.

CHEO Genetics Diagnostic Laboratory, Children's Hospital of Eastern Ontario
Classification: Benign for Cardiomyopathy. Last evaluated: 2016-02-08. Review status: criteria provided, single submitter. Criteria: ACMG Guidelines, 2015. Collection method: clinical testing. Allele origin: germline. Study: Canadian Open Genetics Repository.

GeneDx
Classification: Benign. Last evaluated: 2014-03-14. Review status: criteria provided, single submitter. Criteria: GeneDx Variant Classification (06012015). Collection method: clinical testing. Allele origin: germline. Affected: yes.
Comment: This variant is considered likely benign or benign based on one or more of the following criteria: it is a conservative change, it occurs at a poorly conserved position in the protein, it is predicted to be benign by multiple in silico algorithms, and/or has population frequency not consistent with disease.

Laboratory for Molecular Medicine, Mass General Brigham Personalized Medicine
Classification: Benign. Last evaluated: 2012-11-21. Review status: criteria provided, single submitter. Criteria: LMM Criteria. Collection method: clinical testing. Allele origin: germline. Observed: 10 variant alleles.
Comment: Ala644Ala in exon 16 of ACTN2: This variant is not expected to have clinical sig nificance because it does not alter an amino acid residue and has been identifie d in 0.8% (30/3738) of African American chromosomes from a broad population by t he NHLBI Exome Sequencing Project (dbSNP rs144 680712).

PreventionGenetics, part of Exact Sciences
Classification: Benign for ACTN2-related condition. Last evaluated: 2019-09-18. Review status: no assertion criteria provided. Collection method: clinical testing. Allele origin: germline. Not counted in ClinVar's aggregate classification.
Comment: This variant is classified as benign based on ACMG/AMP sequence variant interpretation guidelines (Richards et al. 2015 PMID: 25741868, with internal and published modifications).

Clinical Genetics DNA and cytogenetics Diagnostics Lab, Erasmus MC, Erasmus Medical Center
Classification: Benign. Review status: no assertion criteria provided. Collection method: clinical testing. Allele origin: germline. Affected: yes. Study: VKGL Data-share Consensus. Not counted in ClinVar's aggregate classification.

Clinical Genetics, Academic Medical Center
Classification: Benign. Review status: no assertion criteria provided. Collection method: clinical testing. Allele origin: germline. Affected: yes. Study: VKGL Data-share Consensus. Not counted in ClinVar's aggregate classification.

Diagnostic Laboratory, Department of Genetics, University Medical Center Groningen
Classification: Likely benign for Dilated cardiomyopathy 1AA. Review status: no assertion criteria provided. Collection method: clinical testing. Allele origin: germline. Affected: yes. Study: VKGL Data-share Consensus. Not counted in ClinVar's aggregate classification.

NM_001103.4(ACTN2):c.1932C>A (p.Ala644=)

Gene: ACTN2 (actinin alpha 2; plus strand). Cytogenetic location: 1q43.
Variant type: single nucleotide variant.
Coding change: c.1932C>A on transcript NM_001103.4 (MANE Select); coding-DNA position 1932, C replaced by A.
Protein change: p.Ala644=; no amino-acid change (alanine 644 retained).
Molecular consequence: synonymous variant.
Genome position (GRCh38, 1-based): chr1:236,754,039, C>A. VCF-style: chr1-236754039-C-A. GRCh37 (hg19) VCF-style: chr1-236917339-C-A.
Other names: p.A644A:GCC>GCA; p.Ala644=; c.1932C>A, p.Ala644= (NM_001278343.2); c.1308C>A, p.Ala436= (NM_001278344.2).
Identifiers: ClinVar variation 43921 (VCV000043921.44), dbSNP rs144680712, ClinGen allele CA133162.